The following is an entry in ClinVar:

NM_019032.6(ADAMTSL4):c.55C>T (p.Pro19Ser)

Genes: ADAMTSL4 (ADAMTS like 4; plus strand), ADAMTSL4-AS2 (ADAMTSL4 antisense RNA 2; minus strand). Cytogenetic location: 1q21.2.
Variant type: single nucleotide variant.
Coding change: c.55C>T on transcript NM_019032.6 (MANE Select); coding-DNA position 55, C replaced by T.
Protein change: p.Pro19Ser; replaces proline 19 with serine.
Molecular consequence: missense variant.
Genome position (GRCh38, 1-based): chr1:150,552,577, C>T. VCF-style: chr1-150552577-C-T. GRCh37 (hg19) VCF-style: chr1-150525053-C-T.
Other names: c.55C>T, p.Pro19Ser (NM_001288607.2, NM_001288608.2, NM_001378596.1 and 1 more transcripts); c.55C>T (NM_019032.4); short protein forms P19S.
Identifiers: ClinVar variation 1986937 (VCV001986937.3), dbSNP rs143132472, ClinGen allele CA1077860.

ClinVar aggregate classification (germline): Uncertain significance. Review status: criteria provided, multiple submitters, no conflicts (2 of 4 stars). 2 submissions from 2 submitters: Uncertain significance (2). Last evaluated 2025-04-20.

Conditions:
Inborn genetic diseases. Identifiers: MedGen C0950123, MeSH D030342.

Allele frequency attached by ClinVar (database versions not stated): gnomAD exomes 0.00006; TOPMed 0.00006; ESP Exome Variant Server 0.00015; ExAC 0.00008; gnomAD 0.00008.
gnomAD v4.1: 95 of 1,613,890 alleles (0.0059%); highest among the groups gnomAD compares: Non-Finnish European, 0.0078%; no homozygotes.

Submissions (2):

Ambry Genetics
Classification: Uncertain significance for Inborn genetic diseases. Last evaluated: 2025-04-20. Review status: criteria provided, single submitter. Criteria: Ambry Variant Classification Scheme 2023. Collection method: clinical testing. Allele origin: germline.

Labcorp Genetics (formerly Invitae), Labcorp
Classification: Uncertain significance. Last evaluated: 2024-01-24. Review status: criteria provided, single submitter. Criteria: Invitae Variant Classification Sherloc (09022015). Collection method: clinical testing. Allele origin: germline.
Comment: This sequence change replaces proline, which is neutral and non-polar, with serine, which is neutral and polar, at codon 19 of the ADAMTSL4 protein (p.Pro19Ser). This variant is present in population databases (rs143132472, gnomAD 0.02%). This variant has not been reported in the literature in individuals affected with ADAMTSL4-related conditions. ClinVar contains an entry for this variant (Variation ID: 1986937). Advanced modeling of protein sequence and biophysical properties (such as structural, functional, and spatial information, amino acid conservation, physicochemical variation, residue mobility, and thermodynamic stability) performed at Invitae indicates that this missense variant is not expected to disrupt ADAMTSL4 protein function with a negative predictive value of 80%. In summary, the available evidence is currently insufficient to determine the role of this variant in disease. Therefore, it has been classified as a Variant of Uncertain Significance.